The following is an entry in ClinVar:

NM_004168.4(SDHA):c.1551+438G>A

Gene: SDHA (succinate dehydrogenase complex flavoprotein subunit A; plus strand). Cytogenetic location: 5p15.33.
Variant type: single nucleotide variant.
Coding change: c.1551+438G>A on transcript NM_004168.4 (MANE Select); 438 bases into the intron after coding-DNA position 1551, G replaced by A.
Molecular consequence: intron variant.
Genome position (GRCh38, 1-based): chr5:240,914, G>A. VCF-style: chr5-240914-G-A. GRCh37 (hg19) VCF-style: chr5-241029-G-A.
Other names: c.1551+438G>A (NM_001330758.2); c.1407+438G>A (NM_001294332.2).
Identifiers: ClinVar variation 4852734 (VCV004852734.2).

ClinVar aggregate classification (germline): Benign (1 of 4 stars; one submission).

gnomAD v4.1: 35,980 of 151,172 alleles (24%); highest among the groups gnomAD compares: African/African-American, 52%; 6,645 homozygotes.

Submission:

Dasa
Classification: Benign. Last evaluated: 2026-01-22. Review status: criteria provided, single submitter. Criteria: DASA Assertion Criteria. Collection method: clinical testing. Allele origin: germline.
Comment: NM_004168.4(SDHA):c.1551+438G>A is an intronic variant. Population frequency is inconsistent with a disease-causing role for this variant, and observations in unaffected individuals support a benign interpretation. Therefore, based on the currently available evidence, this variant is classified as benign.